The following is an entry in ClinVar:

ClinVar aggregate classification (germline): Conflicting classifications of pathogenicity. Review status: criteria provided, conflicting classifications (1 of 4 stars). 6 submissions from 6 submitters: Uncertain significance (2); Likely benign (3). 1 of the submissions does not count toward it. Last evaluated 2026-06-08.

Conditions:
MBD4-related disorder. Also called: MBD4-related condition.
Inborn genetic diseases. Identifiers: MedGen C0950123, MeSH D030342.
Tumor predisposition syndrome 2 (TPDS2). Also called: MBD4-Related Tumor Predisposition Syndrome; MBD4-associated neoplasia syndrome (MANS); MBD4-ASSOCIATED NEOPLASIA SYNDROME. Identifiers: Orphanet 661526, MedGen C5774186, MONDO:0859267, OMIM 619975.

Allele frequency attached by ClinVar (database versions not stated): 1000 Genomes Project 0.00040; 1000 Genomes Project 30x 0.00047; TOPMed 0.00060; gnomAD 0.00063; ESP Exome Variant Server 0.00115.
gnomAD v4.1: 1,629 of 1,602,708 alleles (0.1%); highest among the groups gnomAD compares: Non-Finnish European, 0.13%; no homozygotes.

Submissions (6):

Myriad Genetics, Inc.
Classification: Likely benign for Tumor predisposition syndrome 2. Last evaluated: 2026-06-08. Review status: criteria provided, single submitter. Criteria: Myriad Autosomal Dominant, Autosomal Recessive and X-Linked Classification Criteria (2023). Collection method: clinical testing. Allele origin: unknown.
Comment: This variant is considered likely benign. This variant has been observed at a population frequency that is significantly greater than expected given the associated disease prevalence and penetrance.

CeGaT Center for Human Genetics Tuebingen
Classification: Likely benign. Last evaluated: 2026-03-01. Review status: criteria provided, single submitter. Criteria: CeGaT Center For Human Genetics Tuebingen Variant Classification Criteria Version 2. Collection method: clinical testing. Allele origin: germline. Affected: yes. Observed: 10 variant alleles.
Comment: MBD4: BP4, BP7

Labcorp Genetics (formerly Invitae), Labcorp
Classification: Uncertain significance. Last evaluated: 2026-01-28. Review status: criteria provided, single submitter. Criteria: Invitae Variant Classification Sherloc (09022015). Collection method: clinical testing. Allele origin: germline.
Comment: This sequence change affects codon 112 of the MBD4 mRNA. It is a 'silent' change, meaning that it does not change the encoded amino acid sequence of the MBD4 protein. It affects a nucleotide within the consensus splice site. This variant is present in population databases (rs61753468, gnomAD 0.09%), and has an allele count higher than expected for a pathogenic variant. This variant has not been reported in the literature in individuals affected with MBD4-related conditions. ClinVar contains an entry for this variant (Variation ID: 2038734). Algorithms developed to predict the effect of sequence changes on RNA splicing suggest that this variant is not likely to affect RNA splicing. In summary, the available evidence is currently insufficient to determine the role of this variant in disease. Therefore, it has been classified as a Variant of Uncertain Significance.

Ambry Genetics
Classification: Uncertain significance for Inborn genetic diseases. Last evaluated: 2025-08-08. Review status: criteria provided, single submitter. Criteria: Ambry Variant Classification Scheme 2023. Collection method: clinical testing. Allele origin: germline.
Comment: The c.336C>T variant (also known as p.S112S), located in coding exon 3 of the MBD4 gene, results from a C to T substitution at nucleotide position 336. This nucleotide substitution does not change the amino acid at codon 112. This variant impacts the first base pair of coding exon 3. This nucleotide position is well conserved in available vertebrate species. In silico splice site analysis for this alteration is inconclusive. Based on the available evidence, the clinical significance of this variant remains unclear.

ARUP Laboratories, Molecular Genetics and Genomics, ARUP Laboratories
Classification: Likely benign. Last evaluated: 2025-06-06. Review status: criteria provided, single submitter. Criteria: ARUP Molecular Germline Variant Investigation Process 2024. Collection method: clinical testing. Allele origin: germline.

PreventionGenetics, part of Exact Sciences
Classification: Likely benign for MBD4-related condition. Last evaluated: 2019-02-28. Review status: no assertion criteria provided. Collection method: clinical testing. Allele origin: germline. Not counted in ClinVar's aggregate classification.
Comment: This variant is classified as likely benign based on ACMG/AMP sequence variant interpretation guidelines (Richards et al. 2015 PMID: 25741868, with internal and published modifications).

NM_001276270.2(MBD4):c.336C>T (p.Ser112=)

Gene: MBD4 (methyl-CpG binding domain 4, DNA glycosylase; minus strand). Cytogenetic location: 3q21.3.
Variant type: single nucleotide variant.
Coding change: c.336C>T on transcript NM_001276270.2 (MANE Select); coding-DNA position 336, C replaced by T.
Protein change: p.Ser112=; no amino-acid change (serine 112 retained).
Molecular consequence: synonymous variant. On other transcripts: intron variant (1).
Genome position (GRCh38, 1-based): chr3:129,437,308, G>A on the plus strand (C>T on the coding strand, the complement: MBD4 is on the minus strand). VCF-style: chr3-129437308-G-A. GRCh37 (hg19) VCF-style: chr3-129156151-G-A.
Other names: c.336C>T, p.Ser112= (NM_001276271.2, NM_001276272.2, NM_003925.3); c.247+500C>T (NM_001276273.2); c.336C>T (NM_003925.2).
Identifiers: ClinVar variation 2038734 (VCV002038734.33), dbSNP rs61753468, ClinGen allele CA2605537.